The following is an entry in ClinVar:

NM_001084.5(PLOD3):c.1368G>T (p.Trp456Cys)

Gene: PLOD3 (procollagen-lysine,2-oxoglutarate 5-dioxygenase 3; minus strand). Cytogenetic location: 7q22.1.
Variant type: single nucleotide variant.
Coding change: c.1368G>T on transcript NM_001084.5 (MANE Select); coding-DNA position 1368, G replaced by T.
Protein change: p.Trp456Cys; replaces tryptophan 456 with cysteine.
Molecular consequence: missense variant.
Genome position (GRCh38, 1-based): chr7:101,210,664, C>A on the plus strand (G>T on the coding strand, the complement: PLOD3 is on the minus strand). VCF-style: chr7-101210664-C-A. GRCh37 (hg19) VCF-style: chr7-100853945-C-A.
Other names: short protein forms W456C.
Identifiers: ClinVar variation 1941161 (VCV001941161.4), dbSNP rs763646130, ClinGen allele CA4407691.

ClinVar aggregate classification (germline): Uncertain significance (1 of 4 stars; one submission).

Allele frequency attached by ClinVar (database versions not stated): gnomAD exomes below 0.00001; ExAC 0.00001; gnomAD 0.00001; TOPMed 0.00001.
gnomAD v4.1: 4 of 1,613,888 alleles (0.00025%); highest among the groups gnomAD compares: Non-Finnish European, 0.00034%; no homozygotes.

Submission:

Labcorp Genetics (formerly Invitae), Labcorp
Classification: Uncertain significance. Last evaluated: 2025-08-18. Review status: criteria provided, single submitter. Criteria: Invitae Variant Classification Sherloc (09022015). Collection method: clinical testing. Allele origin: germline.
Comment: This sequence change replaces tryptophan, which is neutral and slightly polar, with cysteine, which is neutral and slightly polar, at codon 456 of the PLOD3 protein (p.Trp456Cys). This variant is present in population databases (rs763646130, gnomAD 0.0009%). This variant has not been reported in the literature in individuals affected with PLOD3-related conditions. ClinVar contains an entry for this variant (Variation ID: 1941161). Invitae Evidence Modeling of protein sequence and biophysical properties (such as structural, functional, and spatial information, amino acid conservation, physicochemical variation, residue mobility, and thermodynamic stability) indicates that this missense variant is expected to disrupt PLOD3 protein function with a positive predictive value of 80%. Algorithms developed to predict the effect of sequence changes on RNA splicing suggest that this variant may disrupt the consensus splice site. In summary, the available evidence is currently insufficient to determine the role of this variant in disease. Therefore, it has been classified as a Variant of Uncertain Significance.